The following is an entry in ClinVar:

NM_000377.3(WAS):c.1080A>C (p.Pro360=)

Gene: WAS (WASP actin nucleation promoting factor; plus strand). Cytogenetic location: Xp11.23.
Variant type: single nucleotide variant.
Coding change: c.1080A>C on transcript NM_000377.3 (MANE Select); coding-DNA position 1080, A replaced by C.
Protein change: p.Pro360=; no amino-acid change (proline 360 retained).
Molecular consequence: synonymous variant.
Genome position (GRCh38, 1-based): chrX:48,688,808, A>C. VCF-style: chrX-48688808-A-C. GRCh37 (hg19) VCF-style: chrX-48547197-A-C.
Identifiers: ClinVar variation 437265 (VCV000437265.35), dbSNP rs1409607754, ClinGen allele CA516356386.

ClinVar aggregate classification (germline): Conflicting classifications of pathogenicity. Review status: criteria provided, conflicting classifications (1 of 4 stars). 4 submissions from 4 submitters: Uncertain significance (2); Likely benign (2). Last evaluated 2025-12-09.

Conditions:
Wiskott-Aldrich syndrome (WAS). Also called: Wiskott-aldrich syndrome, somatic; ALDRICH SYNDROME; IMMUNODEFICIENCY 2; WISKOTT-ALDRICH SYNDROME 1. Identifiers: Orphanet 906, MedGen C0043194, MONDO:0010518, OMIM 301000.
Thrombocytopenia 1. Also called: X-linked thrombocytopenia with normal platelets; THROMBOCYTOPENIA, X-LINKED, 1; X-Linked Thrombocytopenia (XLT). Identifiers: Orphanet 268322, Orphanet 852, MedGen C1839163, MONDO:0010743, OMIM 313900.
X-linked severe congenital neutropenia (SCNX). Identifiers: Orphanet 86788, MedGen C1845987, MONDO:0010294, OMIM 300299.

Submissions (4):

Labcorp Genetics (formerly Invitae), Labcorp
Classification: Likely benign for Wiskott-Aldrich syndrome; X-linked severe congenital neutropenia; Thrombocytopenia 1. Last evaluated: 2025-12-09. Review status: criteria provided, single submitter. Criteria: Invitae Variant Classification Sherloc (09022015). Collection method: clinical testing. Allele origin: germline.

CeGaT Center for Human Genetics Tuebingen
Classification: Likely benign. Last evaluated: 2023-08-01. Review status: criteria provided, single submitter. Criteria: CeGaT Center For Human Genetics Tuebingen Variant Classification Criteria Version 2. Collection method: clinical testing. Allele origin: germline. Affected: yes. Observed: 2 variant alleles.
Comment: WAS: BP4, BP7

Genetic Services Laboratory, University of Chicago
Classification: Uncertain significance. Last evaluated: 2016-03-09. Review status: criteria provided, single submitter. Criteria: ACMG Guidelines, 2015. Collection method: clinical testing. Allele origin: germline. Affected: no.

Breakthrough Genomics
Classification: Uncertain significance. Review status: criteria provided, single submitter. Criteria: ACMG Guidelines, 2015. Collection method: not provided. Allele origin: germline. Inheritance: X-linked recessive inheritance. Affected: yes.